The following is an entry in ClinVar:

ClinVar aggregate classification (germline): Conflicting classifications of pathogenicity. Review status: criteria provided, conflicting classifications (1 of 4 stars). 3 submissions from 3 submitters: Uncertain significance (1); Likely benign (2). Last evaluated 2026-01-25.

Conditions:
Immunodeficiency, common variable, 7. Identifiers: Orphanet 1572, Orphanet 696894, MedGen C3542922, MONDO:0013862, OMIM 614699.

Allele frequency attached by ClinVar (database versions not stated): gnomAD 0.00001; gnomAD exomes 0.00004; ExAC 0.00005; 1000 Genomes Project 0.00020; 1000 Genomes Project 30x 0.00031.
gnomAD v4.1: 39 of 1,613,844 alleles (0.0024%); highest among the groups gnomAD compares: South Asian, 0.023%; no homozygotes.

Submissions (4):

Labcorp Genetics (formerly Invitae), Labcorp
Classification: Likely benign for Immunodeficiency, common variable, 7. Last evaluated: 2026-01-25. Review status: criteria provided, single submitter. Criteria: Invitae Variant Classification Sherloc (09022015). Collection method: clinical testing. Allele origin: germline.

Greenwood Genetic Center Diagnostic Laboratories, Greenwood Genetic Center
Classification: Uncertain significance. Last evaluated: 2025-11-10. Review status: criteria provided, single submitter. Criteria: ACMG Guidelines, 2015. Collection method: clinical testing. Allele origin: germline. Affected: yes.
Comment: PM2, BP4

Blueprint Genetics
Classification: Likely benign. Last evaluated: 2024-10-17. Review status: criteria provided, single submitter. Criteria: ACMG Guidelines, 2015. Collection method: clinical testing. Allele origin: germline.

Dr. Peter K. Rogan Lab, Western University
No classification provided (evidence only). Condition: Thymoma. Review status: no classification provided. Collection method: in vitro. Allele origin: not applicable. Functional consequence: retained intron. Not counted in ClinVar's aggregate classification.

NM_001006658.3(CR2):c.1410G>A (p.Ala470=)

Gene: CR2 (complement C3d receptor 2; plus strand). Cytogenetic location: 1q32.2.
Variant type: single nucleotide variant.
Coding change: c.1410G>A on transcript NM_001006658.3 (MANE Select); coding-DNA position 1410, G replaced by A.
Protein change: p.Ala470=; no amino-acid change (alanine 470 retained).
Molecular consequence: synonymous variant.
Genome position (GRCh38, 1-based): chr1:207,471,004, G>A. VCF-style: chr1-207471004-G-A. GRCh37 (hg19) VCF-style: chr1-207644349-G-A.
Other names: c.1410G>A, p.Ala470= (NM_001877.5).
Identifiers: ClinVar variation 1609080 (VCV001609080.11), dbSNP rs565317532, ClinGen allele CA1368719.